The following is an entry in ClinVar:

NM_017514.5(PLXNA3):c.1556G>A (p.Arg519His)

Gene: PLXNA3 (plexin A3; plus strand). Cytogenetic location: Xq28.
Variant type: single nucleotide variant.
Coding change: c.1556G>A on transcript NM_017514.5 (MANE Select); coding-DNA position 1556, G replaced by A.
Protein change: p.Arg519His; replaces arginine 519 with histidine.
Molecular consequence: missense variant.
Genome position (GRCh38, 1-based): chrX:154,463,959, G>A. VCF-style: chrX-154463959-G-A. GRCh37 (hg19) VCF-style: chrX-153692302-G-A.
Other names: c.1556G>A (NM_017514.3); short protein forms R519H.
Identifiers: ClinVar variation 3352563 (VCV003352563.2).

ClinVar aggregate classification (germline): Uncertain significance. Review status: criteria provided, single submitter (1 of 4 stars). 2 submissions from 2 submitters: Uncertain significance (1). 1 of the submissions does not count toward it. Last evaluated 2025-09-10.

Conditions:
PLXNA3-related disorder. Also called: PLXNA3-related condition.

gnomAD v4.1: 69 of 1,171,501 alleles (0.0059%); highest among the groups gnomAD compares: Middle Eastern, 0.028%; no homozygotes.

Submissions (2):

Ambry Genetics
Classification: Uncertain significance. Last evaluated: 2025-09-10. Review status: criteria provided, single submitter. Criteria: Ambry Variant Classification Scheme 2023. Collection method: clinical testing. Allele origin: germline.

PreventionGenetics, part of Exact Sciences
Classification: Uncertain significance for PLXNA3-related condition. Last evaluated: 2024-03-28. Review status: no assertion criteria provided. Collection method: clinical testing. Allele origin: germline. Not counted in ClinVar's aggregate classification.
Comment: The PLXNA3 c.1556G>A variant is predicted to result in the amino acid substitution p.Arg519His. To our knowledge, this variant has not been reported in the literature. This variant is reported in 0.0076% of alleles in individuals of African descent in gnomAD, including two hemizygous individuals. Although we suspect that this variant may be benign, at this time, the clinical significance is uncertain due to the absence of conclusive functional and genetic evidence.